The following is an entry in ClinVar:

NM_025215.6(PUS1):c.268A>T (p.Met90Leu)

Gene: PUS1 (pseudouridine synthase 1; plus strand). Cytogenetic location: 12q24.33.
Variant type: single nucleotide variant.
Coding change: c.268A>T on transcript NM_025215.6 (MANE Select); coding-DNA position 268, A replaced by T.
Protein change: p.Met90Leu; replaces methionine 90 with leucine.
Molecular consequence: missense variant.
Genome position (GRCh38, 1-based): chr12:131,930,100, A>T. VCF-style: chr12-131930100-A-T. GRCh37 (hg19) VCF-style: chr12-132414645-A-T.
Other names: c.184A>T, p.Met62Leu (NM_001002019.3, NM_001002020.3); short protein forms M62L, M90L.
Identifiers: ClinVar variation 4083201 (VCV004083201.3).

ClinVar aggregate classification (germline): Uncertain significance. Review status: criteria provided, multiple submitters, no conflicts (2 of 4 stars). 3 submissions from 3 submitters: Uncertain significance (3). Last evaluated 2025-09-25.

Conditions:
Inborn genetic diseases. Identifiers: MedGen C0950123, MeSH D030342.

gnomAD v4.1: 20 of 1,439,062 alleles (0.0014%); highest among the groups gnomAD compares: African/African-American, 0.028%; no homozygotes.

Submissions (3):

Ambry Genetics
Classification: Uncertain significance for Inborn genetic diseases. Last evaluated: 2025-09-25. Review status: criteria provided, single submitter. Criteria: Ambry Variant Classification Scheme 2023. Collection method: clinical testing. Allele origin: germline.

Labcorp Genetics (formerly Invitae), Labcorp
Classification: Uncertain significance. Last evaluated: 2025-06-12. Review status: criteria provided, single submitter. Criteria: Invitae Variant Classification Sherloc (09022015). Collection method: clinical testing. Allele origin: germline.
Comment: This sequence change replaces methionine, which is neutral and non-polar, with leucine, which is neutral and non-polar, at codon 90 of the PUS1 protein (p.Met90Leu). This variant is present in population databases (rs772993946, gnomAD 0.02%). This variant has not been reported in the literature in individuals affected with PUS1-related conditions. Invitae Evidence Modeling of protein sequence and biophysical properties (such as structural, functional, and spatial information, amino acid conservation, physicochemical variation, residue mobility, and thermodynamic stability) indicates that this missense variant is not expected to disrupt PUS1 protein function with a negative predictive value of 80%. In summary, the available evidence is currently insufficient to determine the role of this variant in disease. Therefore, it has been classified as a Variant of Uncertain Significance.

GeneDx
Classification: Uncertain significance. Last evaluated: 2025-03-11. Review status: criteria provided, single submitter. Criteria: GeneDx Variant Classification Process June 2021. Collection method: clinical testing. Allele origin: germline. Affected: yes.
Comment: In silico analysis indicates that this missense variant does not alter protein structure/function; Has not been previously published as pathogenic or benign to our knowledge